The following is an entry in ClinVar:

NM_013265.4(VPS51):c.2022C>T (p.Leu674=)

Gene: VPS51 (VPS51 subunit of GARP complex; plus strand). Cytogenetic location: 11q13.1.
Variant type: single nucleotide variant.
Coding change: c.2022C>T on transcript NM_013265.4 (MANE Select); coding-DNA position 2022, C replaced by T.
Protein change: p.Leu674=; no amino-acid change (leucine 674 retained).
Molecular consequence: synonymous variant. On other transcripts: non-coding transcript variant (1).
Genome position (GRCh38, 1-based): chr11:65,110,715, C>T. VCF-style: chr11-65110715-C-T. GRCh37 (hg19) VCF-style: chr11-64878187-C-T.
Identifiers: ClinVar variation 4874414 (VCV004874414.2).
Genomic context (GRCh38, chr11:65,110,715, plus strand): 5'-TGCAGGGCGGGCTCTGATTCCTTGTCTTCCCCAATCCAGTGCCCCGATGGACACCAACCT[C>T]TTGAGCAATATCCAGAAGCTATTCTCTGAACGTATTGATGTGTTCAGCCCTGTGGAGTTC-3'
Protein context (NP_037397.2, residues 664-684): YTPSAPMDTN[Leu674=]LSNIQKLFSE

ClinVar aggregate classification (germline): Likely benign (1 of 4 stars; one submission).

gnomAD v4.1: 70 of 1,614,074 alleles (0.0043%); highest among the groups gnomAD compares: Admixed American, 0.12%; no homozygotes.

Submission:

CeGaT Center for Human Genetics Tuebingen
Classification: Likely benign. Last evaluated: 2026-05-01. Review status: criteria provided, single submitter. Criteria: CeGaT Center For Human Genetics Tuebingen Variant Classification Criteria Version 2. Collection method: clinical testing. Allele origin: germline. Affected: yes. Observed: 1 variant allele.
Comment: VPS51: BP4, BP7